The following is an entry in ClinVar:

ClinVar aggregate classification (germline): Uncertain significance (0 of 4 stars; one submission).

Conditions:
PCNT-related disorder. Also called: PCNT-related condition.

gnomAD v4.1: 7 of 1,598,678 alleles (0.00044%); highest among the groups gnomAD compares: Non-Finnish European, 0.00042%; no homozygotes.

Submission:

PreventionGenetics, part of Exact Sciences
Classification: Uncertain significance for PCNT-related condition. Last evaluated: 2024-04-04. Review status: no assertion criteria provided. Collection method: clinical testing. Allele origin: germline.
Comment: The PCNT c.6889G>T variant is predicted to result in the amino acid substitution p.Ala2297Ser. To our knowledge, this variant has not been reported in the literature. This variant is not reported in any of the population groups in gnomAD. At this time, the clinical significance of this variant is uncertain due to the absence of conclusive functional and genetic evidence.

NM_006031.6(PCNT):c.6889G>T (p.Ala2297Ser)

Gene: PCNT (pericentrin; plus strand). Cytogenetic location: 21q22.3.
Variant type: single nucleotide variant.
Coding change: c.6889G>T on transcript NM_006031.6 (MANE Select); coding-DNA position 6889, G replaced by T.
Protein change: p.Ala2297Ser; replaces alanine 2297 with serine.
Molecular consequence: missense variant.
Genome position (GRCh38, 1-based): chr21:46,416,807, G>T. VCF-style: chr21-46416807-G-T. GRCh37 (hg19) VCF-style: chr21-47836721-G-T.
Other names: c.6535G>T, p.Ala2179Ser (NM_001315529.2); short protein forms A2179S, A2297S.
Identifiers: ClinVar variation 3358518 (VCV003358518.1).
Genomic context (GRCh38, chr21:46,416,807, plus strand): 5'-CTTTGTTCCCCAGGCGTGTCTGCAGCAGCGCTGGCACTGCAGTGGGCCGAGTCTCCGCCG[G>T]CTGACGACCACCATGTGCAGAGGACGGCTGTGGTAGGTGCCTGCTCTGCTCCCAGGCCTG-3'
Protein context (NP_006022.3, residues 2287-2307): LALQWAESPP[Ala2297Ser]DDHHVQRTAV